The following is an entry in ClinVar:

ClinVar aggregate classification (germline): Likely pathogenic (1 of 4 stars; one submission).

Conditions:
Spondylocostal dysostosis 3, autosomal recessive (SCDO3). Also called: LFNG-Related Spondylocostal Dysostosis, Autosomal Recessive. Identifiers: Orphanet 2311, MedGen C1853296, MONDO:0012349, OMIM 609813.

Submission:

Labcorp Genetics (formerly Invitae), Labcorp
Classification: Likely pathogenic for Spondylocostal dysostosis 3, autosomal recessive. Last evaluated: 2024-02-10. Review status: criteria provided, single submitter. Criteria: Invitae Variant Classification Sherloc (09022015). Collection method: clinical testing. Allele origin: germline.
Comment: This sequence change affects a donor splice site in intron 6 of the LFNG gene. It is expected to disrupt RNA splicing. Variants that disrupt the donor or acceptor splice site typically lead to a loss of protein function (PMID: 16199547), and loss-of-function variants in LFNG are known to be pathogenic (PMID: 16385447, 29459493). This variant is not present in population databases (gnomAD no frequency). This variant has not been reported in the literature in individuals affected with LFNG-related conditions. Algorithms developed to predict the effect of sequence changes on RNA splicing suggest that this variant may disrupt the consensus splice site. In summary, the currently available evidence indicates that the variant is pathogenic, but additional data are needed to prove that conclusively. Therefore, this variant has been classified as Likely Pathogenic.

Literature cited by the submitters: PubMed 16199547; PubMed 16385447; PubMed 29459493.

NM_001040167.2(LFNG):c.987+1G>A

Gene: LFNG (LFNG O-fucosylpeptide 3-beta-N-acetylglucosaminyltransferase; plus strand). Cytogenetic location: 7p22.3.
Variant type: single nucleotide variant.
Coding change: c.987+1G>A on transcript NM_001040167.2 (MANE Select); the canonical splice donor site of the intron after coding-DNA position 987, G replaced by A.
Molecular consequence: splice donor variant.
Genome position (GRCh38, 1-based): chr7:2,526,410, G>A. VCF-style: chr7-2526410-G-A. GRCh37 (hg19) VCF-style: chr7-2566044-G-A.
Other names: c.774+1G>A (NM_001166355.2); c.600+1G>A (NM_002304.3); c.987+1G>A (NM_001040168.2).
Identifiers: ClinVar variation 3638207 (VCV003638207.2).